The following is an entry in ClinVar:

NM_206538.4(EMC10):c.679-272G>C

Gene: EMC10 (ER membrane protein complex subunit 10; plus strand). Cytogenetic location: 19q13.33.
Variant type: single nucleotide variant.
Coding change: c.679-272G>C on transcript NM_206538.4 (MANE Select); 272 bases into the intron before coding-DNA position 679, G replaced by C.
Molecular consequence: intron variant. On other transcripts: missense variant (1).
Genome position (GRCh38, 1-based): chr19:50,481,877, G>C. VCF-style: chr19-50481877-G-C. GRCh37 (hg19) VCF-style: chr19-50985134-G-C.
Other names: c.695G>C, p.Gly232Ala (NM_175063.6); short protein forms G232A.
Identifiers: ClinVar variation 4082982 (VCV004082982.1).

ClinVar aggregate classification (germline): Uncertain significance (1 of 4 stars; one submission).

gnomAD v4.1: 14 of 1,588,272 alleles (0.00088%); highest among the groups gnomAD compares: African/African-American, 0.0081%; no homozygotes.

Submission:

GeneDx
Classification: Uncertain significance. Last evaluated: 2025-03-06. Review status: criteria provided, single submitter. Criteria: GeneDx Variant Classification Process June 2021. Collection method: clinical testing. Allele origin: germline. Affected: yes.
Comment: In silico analysis indicates that this missense variant does not alter protein structure/function; Has not been previously published as pathogenic or benign to our knowledge